The following is an entry in ClinVar:

ClinVar aggregate classification (germline): Conflicting classifications of pathogenicity. Review status: criteria provided, conflicting classifications (1 of 4 stars). 2 submissions from 2 submitters: Uncertain significance (1); Likely benign (1). Last evaluated 2023-11-02.

Conditions:
Aneurysm-osteoarthritis syndrome. Also called: ANEURYSMS-OSTEOARTHRITIS SYNDROME; SMAD3-Related Loeys-Dietz Syndrome; Loeys-Dietz syndrome, type 1C; LOEYS-DIETZ SYNDROME WITH OSTEOARTHRITIS. Identifiers: Orphanet 284984, MedGen C3151087, MONDO:0013426, OMIM 613795.
Ehlers-Danlos syndrome (EDS). Identifiers: Orphanet 98249, MedGen C0013720, MONDO:0020066.

gnomAD v4.1: 5 of 1,614,112 alleles (0.00031%); highest among the groups gnomAD compares: Non-Finnish European, 0.00034%; no homozygotes.

Submissions (2):

All of Us Research Program, National Institutes of Health
Classification: Likely benign for Aneurysm-osteoarthritis syndrome. Last evaluated: 2023-11-02. Review status: criteria provided, single submitter. Criteria: ACMG Guidelines, 2015. Collection method: clinical testing. Allele origin: germline. Inheritance: Autosomal dominant inheritance. Observed: 1 variant allele, 1 heterozygote.
Comment: This study involves interpretation of variants in research participants for the purpose of population health screening. Participant phenotype was not available at the time of variant classification. Additional details can be found in publication PMID: 35346344, PMCID: PMC8962531

Genome Diagnostics Laboratory, The Hospital for Sick Children
Classification: Uncertain significance for Ehlers-Danlos syndrome. Last evaluated: 2021-11-10. Review status: criteria provided, single submitter. Criteria: ACMG Guidelines, 2015. Collection method: clinical testing. Allele origin: germline.

NM_005902.4(SMAD3):c.1065G>T (p.Ser355=)

Gene: SMAD3 (SMAD family member 3; plus strand). Cytogenetic location: 15q22.33.
Variant type: single nucleotide variant.
Coding change: c.1065G>T on transcript NM_005902.4 (MANE Select); coding-DNA position 1065, G replaced by T.
Protein change: p.Ser355=; no amino-acid change (serine 355 retained).
Molecular consequence: synonymous variant.
Genome position (GRCh38, 1-based): chr15:67,187,420, G>T. VCF-style: chr15-67187420-G-T. GRCh37 (hg19) VCF-style: chr15-67479758-G-T.
Other names: c.750G>T, p.Ser250= (NM_001145102.2, NM_001407016.1); c.933G>T, p.Ser311= (NM_001145103.2, NM_001407012.1); c.480G>T, p.Ser160= (NM_001145104.2, NM_001407017.1); c.1176G>T, p.Ser392= (NM_001407011.1); c.927G>T, p.Ser309= (NM_001407013.1); c.918G>T, p.Ser306= (NM_001407014.1); c.618G>T, p.Ser206= (NM_001407015.1).
Identifiers: ClinVar variation 1702279 (VCV001702279.4), dbSNP rs756181827, ClinGen allele CA490917604.